The following is an entry in ClinVar:

NM_032578.4(MYPN):c.793C>G (p.Leu265Val)

Gene: MYPN (myopalladin; plus strand). Cytogenetic location: 10q21.3.
Variant type: single nucleotide variant.
Coding change: c.793C>G on transcript NM_032578.4 (MANE Select); coding-DNA position 793, C replaced by G.
Protein change: p.Leu265Val; replaces leucine 265 with valine.
Molecular consequence: missense variant. On other transcripts: 5 prime UTR variant (1), non-coding transcript variant (1).
Genome position (GRCh38, 1-based): chr10:68,122,231, C>G. VCF-style: chr10-68122231-C-G. GRCh37 (hg19) VCF-style: chr10-69881988-C-G.
Other names: c.793C>G, p.Leu265Val (NM_001256267.2); c.-330C>G (NM_001256268.2); short protein forms L265V.
Identifiers: ClinVar variation 3402118 (VCV003402118.1).

ClinVar aggregate classification (germline): Uncertain significance (1 of 4 stars; one submission).

Conditions:
Cardiovascular phenotype. Identifiers: MedGen CN230736.

Submission:

Ambry Genetics
Classification: Uncertain significance for Cardiovascular phenotype. Last evaluated: 2024-11-17. Review status: criteria provided, single submitter. Criteria: Ambry Variant Classification Scheme 2023. Collection method: clinical testing. Allele origin: germline.
Comment: The p.L265V variant (also known as c.793C>G), located in coding exon 1 of the MYPN gene, results from a C to G substitution at nucleotide position 793. The leucine at codon 265 is replaced by valine, an amino acid with highly similar properties. This amino acid position is conserved. In addition, this alteration is predicted to be tolerated by in silico analysis. Based on the available evidence, the clinical significance of this variant remains unclear.